The following is an entry in ClinVar:

ClinVar aggregate classification (germline): Pathogenic/Likely pathogenic. Review status: criteria provided, multiple submitters, no conflicts (2 of 4 stars). 21 submissions from 21 submitters: Pathogenic (17); Likely pathogenic (2). 2 of the submissions do not count toward it. Last evaluated 2026-05-26.

Conditions:
Autosomal recessive nonsyndromic hearing loss 18B. Also called: Deafness, autosomal recessive 18b. Identifiers: Orphanet 90636, MedGen C3554163, MONDO:0013985, OMIM 614945.
OTOG-related disorder. Also called: OTOG-related condition.
Intellectual disability. Also called: intellectual disabilities; Intellectual functioning disability; Intellectual developmental disorder. Identifiers: MedGen C3714756, MeSH D008607, MONDO:0001071, HP:0001249.
Seizure. Also called: Seizures. Identifiers: MedGen C0036572, HP:0001250.
Monogenic hearing loss.
Rare genetic deafness. Identifiers: Orphanet 96210, MedGen C5680250.

Allele frequency attached by ClinVar (database versions not stated): TOPMed 0.00035; gnomAD 0.00037 and 0.00040; gnomAD exomes 0.00038; ExAC 0.00076.
gnomAD v4.1: 618 of 1,526,664 alleles (0.04%); highest among the groups gnomAD compares: Non-Finnish European, 0.047%; no homozygotes.

Submissions (21):

PreventionGenetics, part of Exact Sciences
Classification: Pathogenic for OTOG-related condition. Last evaluated: 2026-05-26. Review status: criteria provided, single submitter. Criteria: ACMG Guidelines, 2015. Collection method: clinical testing. Allele origin: germline.
Comment: The OTOG c.2500C>T variant is predicted to result in premature protein termination (p.Gln834*). This variant has been reported in patients with autosomal recessive nonsyndromic hearing loss (Sheppard et al. 2018. PubMed ID: 29907799; Morgan et al. 2020. PubMed ID: 33105617; Table S1, Safka Brozkova et al. 2020. PubMed ID: 32860223). This variant is reported in 0.12% of alleles in individuals of Ashkenazi Jewish descent in gnomAD. Nonsense variants in OTOG are expected to be pathogenic. This variant is interpreted as pathogenic.

CeGaT Center for Human Genetics Tuebingen
Classification: Pathogenic. Last evaluated: 2026-04-01. Review status: criteria provided, single submitter. Criteria: CeGaT Center For Human Genetics Tuebingen Variant Classification Criteria Version 2. Collection method: clinical testing. Allele origin: germline. Affected: yes. Observed: 9 variant alleles.
Comment: OTOG: PVS1, PM2, PM3

Genetics Laboratory, Great Ormond Street Hospital NHS Foundation Trust, North Thames Genomic Laboratory Hub
Classification: Pathogenic for Monogenic hearing loss. Last evaluated: 2026-01-19. Review status: criteria provided, single submitter. Criteria: ACGS Best Practice Guidelines for Variant Classification in Rare Disease 2024 v1.2. Collection method: clinical testing. Allele origin: germline. Affected: yes.
Comment: PVS1_very-strong, PM3_strong

Dasa
Classification: Pathogenic. Last evaluated: 2026-01-16. Review status: criteria provided, single submitter. Criteria: DASA Assertion Criteria. Collection method: clinical testing. Allele origin: germline.
Comment: NM_001292063.2(OTOG):c.2464C>T (p.Gln822Ter) introduces a premature termination codon predicted to result in loss of normal protein function. Loss-of-function is an established mechanism of disease for this gene. This variant has been recurrently observed in individuals with related phenotype (PMID: 33105617; PMID: 29907799; PMID: 34515852; PMID: 35682719). The variant is present at low frequency in population datasets. Based on the available data, this variant is classified as pathogenic.

Labcorp Genetics (formerly Invitae), Labcorp
Classification: Pathogenic. Last evaluated: 2025-10-19. Review status: criteria provided, single submitter. Criteria: Invitae Variant Classification Sherloc (09022015). Collection method: clinical testing. Allele origin: germline.
Comment: This sequence change creates a premature translational stop signal (p.Gln834*) in the OTOG gene. It is expected to result in an absent or disrupted protein product. Loss-of-function variants in OTOG are known to be pathogenic (PMID: 23122587). This variant is present in population databases (rs554847663, gnomAD 0.1%). This premature translational stop signal has been observed in individual(s) with clinical features of autosomal recessive deafness (PMID: 29907799). ClinVar contains an entry for this variant (Variation ID: 417941). For these reasons, this variant has been classified as Pathogenic.

Variantyx, Inc.
Classification: Pathogenic for Autosomal recessive nonsyndromic hearing loss 18B. Last evaluated: 2025-09-25. Review status: criteria provided, single submitter. Criteria: Variantyx Assertion Criteria 2022. Collection method: clinical testing. Allele origin: germline. Inheritance: Autosomal recessive inheritance. Affected: no.
Comment: This is a nonsense variant in the OTOG gene (OMIM: 604487). Pathogenic variants in this gene have been associated with autosomal recessive deafness 18B. This variant introduces a premature termination codon in exon 20 out of 56 and is expected to result in loss of function, which is a known disease mechanism for OTOG in this disorder (PVS1) (PMID:23122587). It has been reported in the homozygous or compound heterozygous state in at least two affected individuals (PMID: 29907799, 33105617) (PM3) and has a 0.0473% maximum allele frequency in non-founder control populations (PM2). Based on the current evidence, this variant is classified as pathogenic for autosomal recessive deafness 18B.

Laboratory of Genetics, Children's Clinical University Hospital Latvia
Classification: Pathogenic. Last evaluated: 2025-02-16. Review status: criteria provided, single submitter. Criteria: ACMG Guidelines, 2015. Collection method: clinical testing. Allele origin: germline. Affected: yes.

Institute of Human Genetics Munich, TUM University Hospital
Classification: Pathogenic for Autosomal recessive nonsyndromic hearing loss 18B. Last evaluated: 2025-01-20. Review status: criteria provided, single submitter. Criteria: Classification criteria August 2017. Collection method: clinical testing. Allele origin: paternal. Inheritance: Autosomal recessive inheritance. Affected: yes. Observed: 1 variant allele.

Blueprint Genetics
Classification: Pathogenic for OTOG-related disorders. Last evaluated: 2024-11-22. Review status: criteria provided, single submitter. Criteria: ACMG Guidelines, 2015. Collection method: clinical testing. Allele origin: germline. Affected: yes. Observed: 5 variant alleles.

GeneDx
Classification: Pathogenic. Last evaluated: 2024-08-23. Review status: criteria provided, single submitter. Criteria: GeneDx Variant Classification Process June 2021. Collection method: clinical testing. Allele origin: germline. Affected: yes.
Comment: Nonsense variant predicted to result in protein truncation or nonsense mediated decay in a gene for which loss of function is a known mechanism of disease; This variant is associated with the following publications: (PMID: 10655058, 29907799, 32860223, 33105617, 34426522, 36147510, 34515852)

Fulgent Genetics
Classification: Pathogenic for Autosomal recessive nonsyndromic hearing loss 18B. Last evaluated: 2024-04-12. Review status: criteria provided, single submitter. Criteria: ACMG Guidelines, 2015. Collection method: clinical testing. Allele origin: germline.

Institute of Human Genetics, University of Leipzig Medical Center
Classification: Pathogenic for Autosomal recessive nonsyndromic hearing loss 18B. Last evaluated: 2022-07-26. Review status: criteria provided, single submitter. Criteria: ACMG Guidelines, 2015. Collection method: clinical testing. Allele origin: inherited. Affected: yes.
Comment: This variant was identified as homozygous._x000D_ Criteria applied: PVS1, PM3_STR

Clinical Genetics Laboratory, Skane University Hospital Lund
Classification: Pathogenic. Last evaluated: 2022-05-27. Review status: criteria provided, single submitter. Criteria: ACMG Guidelines, 2015. Collection method: clinical testing. Allele origin: germline. Affected: yes.

Revvity Omics, Revvity
Classification: Likely pathogenic for Autosomal recessive nonsyndromic hearing loss 18B. Last evaluated: 2022-01-24. Review status: criteria provided, single submitter. Criteria: ACMG Guidelines, 2015. Collection method: clinical testing. Allele origin: germline.

HudsonAlpha Institute for Biotechnology
Classification: Pathogenic for Autosomal recessive nonsyndromic hearing loss 18B. Last evaluated: 2021-07-22. Review status: criteria provided, single submitter. Criteria: ACMG Guidelines, 2015. Collection method: research. Allele origin: maternal. Affected: yes. Observed: 1 variant allele. Study: HudsonAlpha-AGHI-WGS.
Comment: ACMG codes:PVS1, PM2, PP5

Laboratory for Molecular Medicine, Mass General Brigham Personalized Medicine
Classification: Pathogenic for Rare genetic deafness. Last evaluated: 2020-04-14. Review status: criteria provided, single submitter. Criteria: LMM Criteria. Collection method: clinical testing. Allele origin: germline. Inheritance: Autosomal recessive inheritance. Observed: 6 variant alleles.
Comment: The p.Gln834X variant in OTOG has been identified in 4 individuals with hearing loss: 2 heterozygotes where a second variant was not identified on the other copy of OTOG, in 1 homozygote, and in 1 compound heterozygote with a second pathogenic OTOG variant (Sheppard 2018 PMID: 29907799, LMM data). The p.Gln834X variant has also been reported by other clinical laboratories in ClinVar (Variation ID 417941) and has been identified in 0.12% (8/6636) of Ashkenazi Jewish and in 0.08% (51/60760) of European chromosomes by gnomAD; however, this frequency is not high enough to rule out a pathogenic role. This nonsense variant leads to a premature termination codon at position 834, which is predicted to lead to a truncated or absent protein. Loss of function of the OTOG gene is an established disease mechanism in autosomal recessive hearing loss. In summary, this variant meets criteria to be classified as pathogenic for autosomal recessive hearing loss. ACMG/AMP Criteria applied: PVS1, PM3, PP1, BS1_Supporting.

Genomic Medicine Lab, University of California San Francisco
Classification: Likely pathogenic for Intellectual disability; Seizure. Last evaluated: 2019-02-07. Review status: criteria provided, single submitter. Criteria: ACMG Guidelines, 2015. Collection method: clinical testing. Allele origin: maternal. Inheritance: Autosomal recessive inheritance. Affected: yes. Study: CSER.

Imagene.me medical diagnostic laboratory, IMAGENE.ME SA
Classification: Pathogenic for Autosomal recessive nonsyndromic hearing loss 18B. Review status: criteria provided, single submitter. Criteria: IMAGENE.ME Variant Classification SOP 2022. Collection method: clinical testing. Allele origin: germline. Affected: yes.
Comment: Classified according to the IMAGENE.ME variant classification SOP based on the ACMG guidelines as Pathogenic (P): PVS1 + PS4_Moderate + PM2_Supporting

Juno Genomics, Hangzhou Juno Genomics, Inc
Classification: Pathogenic for Autosomal recessive nonsyndromic hearing loss 18B. Review status: criteria provided, single submitter. Criteria: ACMG Guidelines, 2015. Collection method: clinical testing. Allele origin: germline.
Comment: Absent from controls (or at extremely low frequency if recessive) in Genome Aggregation Database.;Null variant in a gene where loss of function (LOF) is a known mechanism of disease.;For recessive disorders, detected in trans with a pathogenic variant.

Diagnostics Centre, Carl Von Ossietzky University Oldenburg
Classification: Pathogenic for Autosomal recessive nonsyndromic hearing loss 18B. Last evaluated: 2025-08-18. Review status: no assertion criteria provided. Collection method: clinical testing. Allele origin: germline. Affected: yes. Observed: 1 variant allele. Not counted in ClinVar's aggregate classification.
Comment: The variant OTOG:c.2500C>T p.(Gln822Ter) located in the exon 19 of the OTOG gene results from a cytosine-to-thymine substitution at nucleotide position c.2500. The change causes the formation of a premature codon at protein position 822. The variant affects an exon [19/55] present in a biologically relevant transcript and is predicted to cause protein truncation/absent due to nonsense mediated decay, in a gene where loss-of-function is a known mechanism of disease. The variant has been described in homozygous and compound heterozygous forms in affected individuals (PMID: 23122587). The variant has been classified as (Likely) pathogenic on eleven entries in Clinvar (VCV000417941.73). The variant was detected with another Likely pathogenic variant in the same gene. However, it was not confirmed to be in trans. The variant is classified as rare in the general population (MAF 4 * e-5 in gnomAD). In summary, this variant is classified as Pathogenic.

Division of Human Genetics, Children's Hospital of Philadelphia
Classification: Likely pathogenic for Autosomal recessive nonsyndromic hearing loss 18B. Last evaluated: 2016-07-19. Review status: no assertion criteria provided. Collection method: research. Allele origin: germline. Affected: yes. Study: CSER-PediSeq. Not counted in ClinVar's aggregate classification.

Literature cited by the submitters: PubMed 33105617 (cited by Dasa and Variantyx, Inc.); PubMed 29907799 (cited by 4 submitters); PubMed 34515852 (cited by Dasa); PubMed 35682719 (cited by Dasa); PubMed 23122587 (cited by 3 submitters); PubMed 10655058 (cited by Laboratory for Molecular Medicine, Mass General Brigham Personalized Medicine).

NM_001292063.2(OTOG):c.2464C>T (p.Gln822Ter)

Gene: OTOG (otogelin; plus strand). Cytogenetic location: 11p15.1.
Variant type: single nucleotide variant.
Coding change: c.2464C>T on transcript NM_001292063.2 (MANE Select); coding-DNA position 2464, C replaced by T.
Protein change: p.Gln822Ter; replaces glutamine 822 with a stop codon.
Molecular consequence: nonsense.
Genome position (GRCh38, 1-based): chr11:17,574,890, C>T. VCF-style: chr11-17574890-C-T. GRCh37 (hg19) VCF-style: chr11-17596437-C-T.
Other names: c.2500C>T, p.Gln834Ter (NM_001277269.2); short protein forms Q834*, Q822*.
Identifiers: ClinVar variation 417941 (VCV000417941.82), dbSNP rs554847663, ClinGen allele CA5905625.